The following is an entry in ClinVar:

ClinVar aggregate classification (germline): Pathogenic. Review status: criteria provided, multiple submitters, no conflicts (2 of 4 stars). 3 submissions from 3 submitters: Pathogenic (3). Last evaluated 2026-09-16.

Conditions:
Hereditary breast ovarian cancer syndrome. Also called: Hereditary breast and ovarian cancer; Hereditary breast and/or ovarian cancer syndrome; BRCA1- and BRCA2-Associated Hereditary Breast and Ovarian Cancer; Hereditary breast and ovarian cancer syndrome (HBOC); Breast and ovarian cancer; Hereditary breast and ovarian cancer syndrome. Identifiers: Orphanet 145, MedGen C0677776, MeSH D061325, MONDO:0003582. Disease mechanism: loss of function.
Breast-ovarian cancer, familial, susceptibility to, 2 (BROVCA2). Also called: BRCA2 Hereditary Breast and Ovarian Cancer. Identifiers: Orphanet 145, MedGen C2675520, MONDO:0012933, OMIM 612555. Disease mechanism: loss of function.
Familial cancer of breast. Also called: Hereditary breast cancer; hereditary breast carcinoma; BREAST CANCER, FAMILIAL. Identifiers: Orphanet 227535, MedGen C0346153, MONDO:0016419, OMIM 114480. Disease mechanism: loss of function.

Submissions (3):

Myriad Genetics, Inc.
Classification: Pathogenic for Breast-ovarian cancer, familial, susceptibility to, 2. Last evaluated: 2026-09-16. Review status: criteria provided, single submitter. Criteria: Myriad Autosomal Dominant, Autosomal Recessive and X-Linked Classification Criteria (2023). Collection method: clinical testing. Allele origin: unknown.
Comment: This variant is considered pathogenic. This variant creates a frameshift predicted to result in premature protein truncation.

Labcorp Genetics (formerly Invitae), Labcorp
Classification: Pathogenic for Hereditary breast ovarian cancer syndrome. Last evaluated: 2023-12-27. Review status: criteria provided, single submitter. Criteria: Invitae Variant Classification Sherloc (09022015). Collection method: clinical testing. Allele origin: germline.
Comment: This sequence change creates a premature translational stop signal (p.Cys311Valfs*13) in the BRCA2 gene. It is expected to result in an absent or disrupted protein product. Loss-of-function variants in BRCA2 are known to be pathogenic (PMID: 20104584). This variant is not present in population databases (gnomAD no frequency). This variant has not been reported in the literature in individuals affected with BRCA2-related conditions. ClinVar contains an entry for this variant (Variation ID: 1685585). For these reasons, this variant has been classified as Pathogenic.

Mendelics
Classification: Pathogenic for Familial cancer of breast. Last evaluated: 2022-05-04. Review status: criteria provided, single submitter. Criteria: Mendelics Assertion Criteria 2019. Collection method: clinical testing. Allele origin: germline.

Literature cited by the submitters: PubMed 20104584 (cited by Labcorp Genetics (formerly Invitae), Labcorp).

NM_000059.4(BRCA2):c.931del (p.Cys311fs)

Gene: BRCA2 (BRCA2 DNA repair associated; plus strand). Cytogenetic location: 13q13.1.
Variant type: Deletion.
Coding change: c.931del on transcript NM_000059.4 (MANE Select); coding-DNA position 931, one base deleted (T; older notation c.931delT).
Protein change: p.Cys311fs; shifts the reading frame from cysteine 311.
Molecular consequence: frameshift variant.
Genome position (GRCh38, 1-based): chr13:32,332,409, T deleted. VCF-style (leftmost placement, unchanged base first): chr13-32332408-AT-A. GRCh37 (hg19) VCF-style: chr13-32906545-AT-A.
Other names: short protein forms C311fs.
Identifiers: ClinVar variation 1685585 (VCV001685585.6), dbSNP rs2137466012, ClinGen allele CA2573149326.